The following is an entry in ClinVar:

NM_133259.4(LRPPRC):c.3277G>A (p.Ala1093Thr)

Gene: LRPPRC (leucine rich pentatricopeptide repeat containing; minus strand). Cytogenetic location: 2p21.
Variant type: single nucleotide variant.
Coding change: c.3277G>A on transcript NM_133259.4 (MANE Select); coding-DNA position 3277, G replaced by A.
Protein change: p.Ala1093Thr; replaces alanine 1093 with threonine.
Molecular consequence: missense variant.
Genome position (GRCh38, 1-based): chr2:43,905,779, C>T on the plus strand (G>A on the coding strand, the complement: LRPPRC is on the minus strand). VCF-style: chr2-43905779-C-T. GRCh37 (hg19) VCF-style: chr2-44132918-C-T.
Other names: c.3277G>A (NM_133259.3); short protein forms A1093T.
Identifiers: ClinVar variation 287093 (VCV000287093.10), dbSNP rs200611889, ClinGen allele CA1638108.

ClinVar aggregate classification (germline): Uncertain significance. Review status: criteria provided, multiple submitters, no conflicts (2 of 4 stars). 4 submissions from 4 submitters: Uncertain significance (4). Last evaluated 2024-08-07.

Conditions:
Inborn genetic diseases. Identifiers: MedGen C0950123, MeSH D030342.
Congenital lactic acidosis, Saguenay-Lac-Saint-Jean type (MC4DN5). Also called: MITOCHONDRIAL COMPLEX IV DEFICIENCY, NUCLEAR TYPE 5; CYTOCHROME c OXIDASE DEFICIENCY, FRENCH CANADIAN TYPE; COX DEFICIENCY, FRENCH CANADIAN TYPE. Identifiers: Orphanet 70472, MedGen C1857355, MONDO:0009069, OMIM 220111.

Allele frequency attached by ClinVar (database versions not stated): gnomAD exomes 0.00001; ExAC 0.00002; gnomAD 0.00003 and 0.00004; TOPMed 0.00005.
gnomAD v4.1: 33 of 1,600,950 alleles (0.0021%); highest among the groups gnomAD compares: Admixed American, 0.0083%; no homozygotes.

Submissions (4):

GeneDx
Classification: Uncertain significance. Last evaluated: 2024-08-07. Review status: criteria provided, single submitter. Criteria: GeneDx Variant Classification Process June 2021. Collection method: clinical testing. Allele origin: germline. Affected: yes.
Comment: Not observed at significant frequency in large population cohorts (gnomAD); In silico analysis indicates that this missense variant does not alter protein structure/function; Has not been previously published as pathogenic or benign to our knowledge

Ambry Genetics
Classification: Uncertain significance for Inborn genetic diseases. Last evaluated: 2021-10-26. Review status: criteria provided, single submitter. Criteria: Ambry Variant Classification Scheme 2023. Collection method: clinical testing. Allele origin: germline.

Fulgent Genetics
Classification: Uncertain significance for Congenital lactic acidosis, Saguenay-Lac-Saint-Jean type. Last evaluated: 2021-07-27. Review status: criteria provided, single submitter. Criteria: ACMG Guidelines, 2015. Collection method: clinical testing. Allele origin: unknown.

Eurofins Ntd Llc (ga)
Classification: Uncertain significance. Last evaluated: 2016-04-26. Review status: criteria provided, single submitter. Criteria: EGL Classification Definitions 2015. Collection method: clinical testing. Allele origin: germline. Observed: 1 variant allele, 1 heterozygote.